The following is an entry in ClinVar:

NM_000059.4(BRCA2):c.5086_5087insA (p.Gly1696fs)

Gene: BRCA2 (BRCA2 DNA repair associated; plus strand). Cytogenetic location: 13q13.1.
Variant type: Insertion.
Coding change: c.5086_5087insA on transcript NM_000059.4 (MANE Select); coding-DNA positions 5086 to 5087, A inserted.
Protein change: p.Gly1696fs; shifts the reading frame from glycine 1696.
Molecular consequence: frameshift variant.
Genome position: GRCh38 VCF-style: chr13-32339441-G-GA. GRCh37 (hg19) VCF-style: chr13-32913578-G-GA.
Other names: 5314_5315insA; short protein forms G1696fs.
Identifiers: ClinVar variation 51764 (VCV000051764.7), dbSNP rs397507757, ClinGen allele CA021230.

ClinVar aggregate classification (germline): Pathogenic. Review status: reviewed by expert panel (3 of 4 stars). 2 submissions from 2 submitters: Pathogenic (1). 1 of the submissions does not count toward it. Last evaluated 2016-10-18.

Conditions:
Breast-ovarian cancer, familial, susceptibility to, 2 (BROVCA2). Also called: BRCA2 Hereditary Breast and Ovarian Cancer. Identifiers: Orphanet 145, MedGen C2675520, MONDO:0012933, OMIM 612555. Disease mechanism: loss of function.

Submissions (2):

Evidence-based Network for the Interpretation of Germline Mutant Alleles (ENIGMA)
Classification: Pathogenic for Breast-ovarian cancer, familial, susceptibility to, 2. Last evaluated: 2016-10-18. Review status: reviewed by expert panel. Criteria: ENIGMA BRCA1/2 Classification Criteria (2015). Collection method: curation. Allele origin: germline.
Comment: Variant allele predicted to encode a truncated non-functional protein.

Consortium of Investigators of Modifiers of BRCA1/2 (CIMBA), c/o University of Cambridge
Classification: Pathogenic for Breast-ovarian cancer, familial, susceptibility to, 2. Last evaluated: 2015-10-02. Review status: criteria provided, single submitter. Criteria: CIMBA Mutation Classification guidelines May 2016. Collection method: clinical testing. Allele origin: germline. Not counted in ClinVar's aggregate classification.